The following is an entry in ClinVar:

ClinVar aggregate classification (germline): Uncertain significance (1 of 4 stars; one submission).

Allele frequency attached by ClinVar (database versions not stated): gnomAD 0.00001; TOPMed 0.00001; ExAC 0.00004; 1000 Genomes Project 0.00020; 1000 Genomes Project 30x 0.00031.
gnomAD v4.1: 114 of 1,613,808 alleles (0.0071%); highest among the groups gnomAD compares: East Asian, 0.071%; no homozygotes.

Submission:

Ambry Genetics
Classification: Uncertain significance. Last evaluated: 2024-10-21. Review status: criteria provided, single submitter. Criteria: Ambry Variant Classification Scheme 2023. Collection method: clinical testing. Allele origin: germline.
Comment: The p.A845T variant (also known as c.2533G>A), located in coding exon 16 of the POLQ gene, results from a G to A substitution at nucleotide position 2533. The alanine at codon 845 is replaced by threonine, an amino acid with similar properties. This amino acid position is conserved. In addition, this alteration is predicted to be tolerated by in silico analysis. Since supporting evidence is limited at this time, the clinical significance of this alteration remains unclear.

NM_199420.4(POLQ):c.2533G>A (p.Ala845Thr)

Gene: POLQ (DNA polymerase theta; minus strand). Cytogenetic location: 3q13.33.
Variant type: single nucleotide variant.
Coding change: c.2533G>A on transcript NM_199420.4 (MANE Select); coding-DNA position 2533, G replaced by A.
Protein change: p.Ala845Thr; replaces alanine 845 with threonine.
Molecular consequence: missense variant.
Genome position (GRCh38, 1-based): chr3:121,490,398, C>T on the plus strand (G>A on the coding strand, the complement: POLQ is on the minus strand). VCF-style: chr3-121490398-C-T. GRCh37 (hg19) VCF-style: chr3-121209245-C-T.
Other names: short protein forms A845T.
Identifiers: ClinVar variation 1792730 (VCV001792730.4), dbSNP rs199542656, ClinGen allele CA2563219.
Genomic context (GRCh38, chr3:121,490,398, plus strand): 5'-TCACCCAGATAGTTCGCATATTGCGACGTTCTTCAACTGCTTCCTCTTCCTCATCCACTG[C>T]CTTCCGGGCACTACACAAGGAGATGGGAAAAGACAGAAATGAATTCATTCATTCGTAAGG-3'
Protein context (NP_955452.3, residues 835-855): NAVPFKSARK[Ala845Thr]VDEEEEAVEE